The following is an entry in ClinVar:

ClinVar aggregate classification (germline): Uncertain significance (1 of 4 stars; one submission).

gnomAD v4.1: 54 of 1,614,076 alleles (0.0033%); highest among the groups gnomAD compares: Non-Finnish European, 0.004%; no homozygotes.

Submission:

Labcorp Genetics (formerly Invitae), Labcorp
Classification: Uncertain significance. Last evaluated: 2025-11-15. Review status: criteria provided, single submitter. Criteria: Invitae Variant Classification Sherloc (09022015). Collection method: clinical testing. Allele origin: germline.
Comment: This sequence change replaces glycine, which is neutral and non-polar, with aspartic acid, which is acidic and polar, at codon 10 of the BLVRA protein (p.Gly10Asp). This variant is present in population databases (rs771090611, gnomAD 0.002%). This variant has not been reported in the literature in individuals affected with BLVRA-related conditions. An algorithm developed to predict the effect of missense changes on protein structure and function (PolyPhen-2) suggests that this variant is likely to be disruptive. In summary, the available evidence is currently insufficient to determine the role of this variant in disease. Therefore, it has been classified as a Variant of Uncertain Significance.

NM_000712.4(BLVRA):c.29G>A (p.Gly10Asp)

Gene: BLVRA (biliverdin reductase A; plus strand). Cytogenetic location: 7p13.
Variant type: single nucleotide variant.
Coding change: c.29G>A on transcript NM_000712.4 (MANE Select); coding-DNA position 29, G replaced by A.
Protein change: p.Gly10Asp; replaces glycine 10 with aspartic acid.
Molecular consequence: missense variant.
Genome position (GRCh38, 1-based): chr7:43,787,920, G>A. VCF-style: chr7-43787920-G-A. GRCh37 (hg19) VCF-style: chr7-43827519-G-A.
Other names: c.29G>A, p.Gly10Asp (NM_001253823.2); short protein forms G10D.
Identifiers: ClinVar variation 4703898 (VCV004703898.1).
Genomic context (GRCh38, chr7:43,787,920, plus strand): 5'-GCCTACAGTGTTTTCAGACTCCACCTTGGTCCCTTGTGTTTCAGCCCGAGAGGAAGTTTG[G>A]CGTGGTGGTGGTTGGTGTTGGCCGAGCCGGCTCCGTGCGGATGAGGGACTTGCGGAATCC-3'
Protein context (NP_000703.2, residues 1-20): MNAEPERKF[Gly10Asp]VVVVGVGRAG